The following is an entry in ClinVar:

ClinVar aggregate classification (germline): Conflicting classifications of pathogenicity. Review status: criteria provided, conflicting classifications (1 of 4 stars). 15 submissions from 15 submitters: Pathogenic (6); Likely pathogenic (4); Uncertain significance (1). 4 of the submissions do not count toward it. Last evaluated 2026-02-12.

Conditions:
MKKS-related disorder. Also called: MKKS-related condition; MKKS-related disorders.
Inborn genetic diseases. Identifiers: MedGen C0950123, MeSH D030342.
Bardet-Biedl syndrome 6 (BBS6). Identifiers: Orphanet 110, MedGen C1858054, MONDO:0011523, OMIM 605231.
McKusick-Kaufman syndrome (MKKS). Also called: HYDROMETROCOLPOS SYNDROME; HYDROMETROCOLPOS, POSTAXIAL POLYDACTYLY, AND CONGENITAL HEART MALFORMATION. Identifiers: Orphanet 2473, MedGen C0948368, MONDO:0009367, OMIM 236700.
Bardet-Biedl syndrome (BBS). Identifiers: Orphanet 110, MedGen C0752166, MONDO:0015229.

Allele frequency attached by ClinVar (database versions not stated): ExAC 0.00004; gnomAD 0.00006; gnomAD exomes 0.00006 and 0.00013; TOPMed 0.00006.
gnomAD v4.1: 196 of 1,614,076 alleles (0.012%); highest among the groups gnomAD compares: Non-Finnish European, 0.016%; no homozygotes.

Submissions (15):

PreventionGenetics, part of Exact Sciences
Classification: Pathogenic for MKKS-related condition. Last evaluated: 2026-02-12. Review status: criteria provided, single submitter. Criteria: ACMG Guidelines, 2015. Collection method: clinical testing. Allele origin: germline.
Comment: The MKKS c.830T>C variant is predicted to result in the amino acid substitution p.Leu277Pro. This variant has been reported in the compound heterozygous state in at least one individual affected with Bardet-Biedl syndrome, and segregated with disease in the family (Katsanis et al. 2000. PubMed ID: 10973251; Moore et al. 2005. PubMed ID: 15637713). Functional studies revealed that this variant causes disruption of the MKKS-BBS12 interaction and could not rescue the morphant phenotype in zebrafish (Seo et al. 2010. PubMed ID: 20080638; Table S5, Zaghloul et al. 2010. PubMed ID: 20498079; Hulleman et al. 2016. PubMed ID: 26900326). Based on these observations, this variant is classified as pathogenic.

Labcorp Genetics (formerly Invitae), Labcorp
Classification: Pathogenic for McKusick-Kaufman syndrome; Bardet-Biedl syndrome. Last evaluated: 2026-01-26. Review status: criteria provided, single submitter. Criteria: Invitae Variant Classification Sherloc (09022015). Collection method: clinical testing. Allele origin: germline.
Comment: This sequence change replaces leucine, which is neutral and non-polar, with proline, which is neutral and non-polar, at codon 277 of the MKKS protein (p.Leu277Pro). This variant is present in population databases (rs74315398, gnomAD 0.009%). This missense change has been observed in individual(s) with Bardet-Biedl syndrome (PMID: 10973251). In at least one individual the data is consistent with being in trans (on the opposite chromosome) from a pathogenic variant. It has also been observed to segregate with disease in related individuals. ClinVar contains an entry for this variant (Variation ID: 5314). Invitae Evidence Modeling of protein sequence and biophysical properties (such as structural, functional, and spatial information, amino acid conservation, physicochemical variation, residue mobility, and thermodynamic stability) indicates that this missense variant is expected to disrupt MKKS protein function with a positive predictive value of 95%. Experimental studies have shown that this missense change affects MKKS function (PMID: 20498079, 22446187). For these reasons, this variant has been classified as Pathogenic.

GeneDx
Classification: Pathogenic. Last evaluated: 2025-12-01. Review status: criteria provided, single submitter. Criteria: GeneDx Variant Classification Process June 2021. Collection method: clinical testing. Allele origin: germline. Affected: yes.
Comment: Published functional studies demonstrate a damaging effect (PMID: 20498079, 20080638); Missense variants in this gene are a common cause of disease and they are underrepresented in the general population; In silico analysis supports that this missense variant has a deleterious effect on protein structure/function; This variant is associated with the following publications: (PMID: 30586318, 20498079, 20080638, 11673413, 26900326, 15637713, 31964843, 37217489, 37734845, 22446187, 10973251, 21157496, 33046855)

Dasa
Classification: Likely pathogenic. Last evaluated: 2025-08-14. Review status: criteria provided, single submitter. Criteria: DASA Assertion Criteria. Collection method: clinical testing. Allele origin: germline.
Comment: NM_170784.3(MKKS):c.830T>C (p.Leu277Pro) is a missense variant that results in the substitution of leucine with proline. This variant has been recurrently observed in individuals with MKKS-related disorders (PMID: 10973251; PMID: 21157496; PMID: 30586318). Functional evidence supports an impact on the gene or gene product. Also, this variant is rare in population databases. Computational evidence supports a deleterious effect. Based on the currently available evidence, this variant is classified as likely pathogenic.

Ambry Genetics
Classification: Pathogenic for Inborn genetic diseases. Last evaluated: 2025-04-17. Review status: criteria provided, single submitter. Criteria: Ambry Variant Classification Scheme 2023. Collection method: clinical testing. Allele origin: germline.
Comment: The c.830T>C (p.L277P) alteration is located in exon 3 (coding exon 1) of the MKKS gene. This alteration results from a T to C substitution at nucleotide position 830, causing the leucine (L) at amino acid position 277 to be replaced by a proline (P). Based on data from gnomAD, the C allele has an overall frequency of 0.006% (17/282570) total alleles studied. This variant has been identified in the homozygous state and/or in conjunction with other MKKS variant(s) in individual(s) with features consistent with MKKS-related ciliopathy; in at least one instance, the variants were identified in trans (Schlottmann, 2023; Kousi, 2020; Groopman, 2019; Pereiro, 2011; Katsanis, 2000; Ambry internal data). This amino acid position is well conserved in available vertebrate species. This alteration is predicted to be deleterious by in silico analysis. Based on the available evidence, this alteration is classified as pathogenic.

Blueprint Genetics
Classification: Pathogenic for MKKS-related disorders. Last evaluated: 2024-10-03. Review status: criteria provided, single submitter. Criteria: ACMG Guidelines, 2015. Collection method: clinical testing. Allele origin: germline. Affected: yes. Observed: 5 variant alleles.

Fulgent Genetics
Classification: Likely pathogenic for McKusick-Kaufman syndrome; Bardet-Biedl syndrome 6. Last evaluated: 2024-05-28. Review status: criteria provided, single submitter. Criteria: ACMG Guidelines, 2015. Collection method: clinical testing. Allele origin: germline.

Baylor Genetics
Classification: Likely pathogenic for Bardet-Biedl syndrome 6. Last evaluated: 2024-03-27. Review status: criteria provided, single submitter. Criteria: ACMG Guidelines, 2015. Collection method: clinical testing. Allele origin: unknown.

Genomic Medicine Center of Excellence, King Faisal Specialist Hospital and Research Centre
Classification: Likely pathogenic for McKusick-Kaufman syndrome. Last evaluated: 2024-03-17. Review status: criteria provided, single submitter. Criteria: ACMG Guidelines, 2015. Collection method: research. Allele origin: germline.

Women's Health and Genetics/Laboratory Corporation of America, LabCorp
Classification: Pathogenic for Bardet-Biedl syndrome. Last evaluated: 2023-04-14. Review status: criteria provided, single submitter. Criteria: LabCorp Variant Classification Summary - May 2015. Collection method: clinical testing. Allele origin: germline.
Comment: Variant summary: MKKS c.830T>C (p.Leu277Pro) results in a non-conservative amino acid change in the encoded protein sequence. Five of five in-silico tools predict a damaging effect of the variant on protein function. The variant allele was found at a frequency of 6.4e-05 in 251158 control chromosomes. This frequency is not significantly higher than estimated for a pathogenic variant in MKKS causing Bardet-Biedl Syndrome (6.4e-05 vs 0.00076), allowing no conclusion about variant significance. c.830T>C has been reported in the literature in both compound heterozygous and homozygous individuals affected with Bardet-Biedl Syndrome and has been reported to segregate with disease in related individuals (e.g., Katsanis_2000, Pereiro_2011, Groopman_2019). These data indicate that the variant is likely to be associated with disease. Several publications report experimental evidence evaluating an impact on protein function, finding that the variant behaved a a null allele in a zebrafish model of gastrulation phenotypes (Zaghloul_2010) and greatly disrupted MKKS protein interactions (e.g., Rachel_2012, Seo_1010). Five ClinVar submitters (evaluation after 2014) have cited the variant with conflicting assessments; four submitters classified the variant as pathogenic/likely pathogenic, and one classified it as uncertain significance. Based on the evidence outlined above, the variant was classified as pathogenic.

Eurofins Ntd Llc (ga)
Classification: Uncertain significance. Last evaluated: 2015-01-21. Review status: criteria provided, single submitter. Criteria: EGL Classification Definitions 2015. Collection method: clinical testing. Allele origin: germline. Observed: 1 variant allele, 1 heterozygote.

Gharavi Laboratory, Columbia University
Classification: Likely pathogenic. Last evaluated: 2018-09-16. Review status: no assertion criteria provided. Criteria: ACMG Guidelines, 2015. Collection method: research. Allele origin: germline. Affected: yes. Not counted in ClinVar's aggregate classification.

OMIM
Classification: Pathogenic for BARDET-BIEDL SYNDROME 6. Last evaluated: 2005-02-01. Review status: no assertion criteria provided. Collection method: literature only. Allele origin: germline. Not counted in ClinVar's aggregate classification.

Clinical Genetics, Academic Medical Center
Classification: Likely pathogenic. Review status: no assertion criteria provided. Collection method: clinical testing. Allele origin: germline. Affected: yes. Study: VKGL Data-share Consensus. Not counted in ClinVar's aggregate classification.

Joint Genome Diagnostic Labs from Nijmegen and Maastricht, Radboudumc and MUMC+
Classification: Likely pathogenic. Review status: no assertion criteria provided. Collection method: clinical testing. Allele origin: germline. Affected: yes. Study: VKGL Data-share Consensus. Not counted in ClinVar's aggregate classification.

Literature cited by the submitters: PubMed 10973251 (cited by 5 submitters); PubMed 20498079 (cited by 3 submitters); PubMed 22446187 (cited by 3 submitters); PubMed 21157496 (cited by 3 submitters); PubMed 30586318 (cited by 3 submitters); PubMed 33046855 (cited by Ambry Genetics); PubMed 37217489 (cited by Ambry Genetics); PubMed 20080638 (cited by Women's Health and Genetics/Laboratory Corporation of America, LabCorp); PubMed 15637713 (cited by OMIM).

NM_170784.3(MKKS):c.830T>C (p.Leu277Pro)

Gene: MKKS (MKKS centrosomal shuttling protein; minus strand). Cytogenetic location: 20p12.2.
Variant type: single nucleotide variant.
Coding change: c.830T>C on transcript NM_170784.3 (MANE Select); coding-DNA position 830, T replaced by C.
Protein change: p.Leu277Pro; replaces leucine 277 with proline.
Molecular consequence: missense variant.
Genome position (GRCh38, 1-based): chr20:10,412,685, A>G on the plus strand (T>C on the coding strand, the complement: MKKS is on the minus strand). VCF-style: chr20-10412685-A-G. GRCh37 (hg19) VCF-style: chr20-10393333-A-G.
Other names: c.830T>C, p.Leu277Pro (NM_018848.3); short protein forms L277P.
Identifiers: ClinVar variation 5314 (VCV000005314.36), dbSNP rs74315398, ClinGen allele CA243463.
Genomic context (GRCh38, chr20:10,412,685, plus strand): 5'-ATAACTTTTTGGCACAGGACAAGATCTACGTGGTCACTGATTAGCTGCCTTCCTAGGTTA[A>G]GCAGCTGGTCCAAGACTGCATTTTCAAGAGAAACCCCATAACTGACCACCACAGTTCCTT-3'
Protein context (NP_740754.1, residues 267-287): SLENAVLDQL[Leu277Pro]NLGRQLISDH